The following is an entry in ClinVar:

ClinVar aggregate classification (germline): Uncertain significance (1 of 4 stars; one submission).

Conditions:
AFF4-related disorder. Also called: AFF4-related condition.

Submission:

PreventionGenetics, part of Exact Sciences
Classification: Uncertain significance for AFF4-related condition. Last evaluated: 2026-03-31. Review status: criteria provided, single submitter. Criteria: ACMG Guidelines, 2015. Collection method: clinical testing. Allele origin: germline.
Comment: The AFF4 c.271A>G variant is predicted to result in the amino acid substitution p.Asn91Asp. To our knowledge, this variant has not been reported in the literature or in a large population database (gnomAD), indicating this variant is rare. At this time, the clinical significance of this variant is uncertain due to the absence of conclusive functional and genetic evidence.

NM_014423.4(AFF4):c.271A>G (p.Asn91Asp)

Gene: AFF4 (ALF transcription elongation factor 4; minus strand). Cytogenetic location: 5q31.1.
Variant type: single nucleotide variant.
Coding change: c.271A>G on transcript NM_014423.4 (MANE Select); coding-DNA position 271, A replaced by G.
Protein change: p.Asn91Asp; replaces asparagine 91 with aspartic acid.
Molecular consequence: missense variant.
Genome position (GRCh38, 1-based): chr5:132,934,794, T>C on the plus strand (A>G on the coding strand, the complement: AFF4 is on the minus strand). VCF-style: chr5-132934794-T-C. GRCh37 (hg19) VCF-style: chr5-132270486-T-C.
Other names: short protein forms N91D.
Identifiers: ClinVar variation 4983741 (VCV004983741.1).